The following is an entry in ClinVar:

NM_025099.6(CTC1):c.1077G>T (p.Ser359=)

Gene: CTC1 (CST telomere replication complex component 1; minus strand). Cytogenetic location: 17p13.1.
Variant type: single nucleotide variant.
Coding change: c.1077G>T on transcript NM_025099.6 (MANE Select); coding-DNA position 1077, G replaced by T.
Protein change: p.Ser359=; no amino-acid change (serine 359 retained).
Molecular consequence: synonymous variant. On other transcripts: non-coding transcript variant (1).
Genome position (GRCh38, 1-based): chr17:8,236,058, C>A on the plus strand (G>T on the coding strand, the complement: CTC1 is on the minus strand). VCF-style: chr17-8236058-C-A. GRCh37 (hg19) VCF-style: chr17-8139376-C-A.
Other names: c.1077G>T, p.Ser359= (NM_001411067.1).
Identifiers: ClinVar variation 2112367 (VCV002112367.1), dbSNP rs767741611, ClinGen allele CA497959920.

ClinVar aggregate classification (germline): Uncertain significance (1 of 4 stars; one submission).

Conditions:
Dyskeratosis congenita. Identifiers: Orphanet 1775, MedGen C0265965, MONDO:0015780.

Submission:

Labcorp Genetics (formerly Invitae), Labcorp
Classification: Uncertain significance for Dyskeratosis congenita. Last evaluated: 2022-03-15. Review status: criteria provided, single submitter. Criteria: Invitae Variant Classification Sherloc (09022015). Collection method: clinical testing. Allele origin: germline.
Comment: This sequence change affects codon 359 of the CTC1 mRNA. It is a 'silent' change, meaning that it does not change the encoded amino acid sequence of the CTC1 protein. This variant also falls at the last nucleotide of exon 6, which is part of the consensus splice site for this exon. This variant is not present in population databases (gnomAD no frequency). This variant has not been reported in the literature in individuals affected with CTC1-related conditions. Variants that disrupt the consensus splice site are a relatively common cause of aberrant splicing (PMID: 17576681, 9536098). Algorithms developed to predict the effect of sequence changes on RNA splicing suggest that this variant may disrupt the consensus splice site. In summary, the available evidence is currently insufficient to determine the role of this variant in disease. Therefore, it has been classified as a Variant of Uncertain Significance.

Literature cited by the submitters: PubMed 17576681; PubMed 9536098.